The following is an entry in ClinVar:

NM_005148.4(UNC119):c.334+4A>G

Gene: UNC119 (unc-119 lipid binding chaperone; minus strand). Cytogenetic location: 17q11.2.
Variant type: single nucleotide variant.
Coding change: c.334+4A>G on transcript NM_005148.4 (MANE Select); 4 bases into the intron after coding-DNA position 334, A replaced by G.
Molecular consequence: intron variant.
Genome position (GRCh38, 1-based): chr17:28,548,588, T>C on the plus strand (A>G on the coding strand, the complement: UNC119 is on the minus strand). VCF-style: chr17-28548588-T-C. GRCh37 (hg19) VCF-style: chr17-26875606-T-C.
Other names: c.334+4A>G (NM_054035.2); c.49+4A>G (NM_001330166.2).
Identifiers: ClinVar variation 2998558 (VCV002998558.3), dbSNP rs1366165417, ClinGen allele CA727774637.

ClinVar aggregate classification (germline): Uncertain significance (1 of 4 stars; one submission).

Allele frequency attached by ClinVar (database versions not stated): gnomAD 0.00001; TOPMed below 0.00001.

Submission:

Labcorp Genetics (formerly Invitae), Labcorp
Classification: Uncertain significance. Last evaluated: 2025-12-15. Review status: criteria provided, single submitter. Criteria: Invitae Variant Classification Sherloc (09022015). Collection method: clinical testing. Allele origin: germline.
Comment: This sequence change falls in intron 2 of the UNC119 gene. It does not directly change the encoded amino acid sequence of the UNC119 protein. It affects a nucleotide within the consensus splice site. This variant is not present in population databases (gnomAD no frequency). This variant has not been reported in the literature in individuals affected with UNC119-related conditions. ClinVar contains an entry for this variant (Variation ID: 2998558). Variants that disrupt the consensus splice site are a relatively common cause of aberrant splicing (PMID: 17576681, 9536098). Algorithms developed to predict the effect of sequence changes on RNA splicing suggest that this variant is not likely to affect RNA splicing. In summary, the available evidence is currently insufficient to determine the role of this variant in disease. Therefore, it has been classified as a Variant of Uncertain Significance.

Literature cited by the submitters: PubMed 17576681; PubMed 9536098.